The following is an entry in ClinVar:

ClinVar aggregate classification (germline): Pathogenic (1 of 4 stars; one submission).

Conditions:
Arrhythmogenic right ventricular dysplasia 9 (ARVD9). Also called: ARRHYTHMOGENIC RIGHT VENTRICULAR DYSPLASIA, FAMILIAL, 9; Arrhythmogenic Right Ventricular Dysplasia/Cardiomyopathy 9. Identifiers: MedGen C1836906, MONDO:0012180, OMIM 609040.

Submission:

Labcorp Genetics (formerly Invitae), Labcorp
Classification: Pathogenic for Arrhythmogenic right ventricular dysplasia 9. Last evaluated: 2022-11-08. Review status: criteria provided, single submitter. Criteria: Invitae Variant Classification Sherloc (09022015). Collection method: clinical testing. Allele origin: germline.
Comment: This sequence change creates a premature translational stop signal (p.Glu624*) in the PKP2 gene. It is expected to result in an absent or disrupted protein product. Loss-of-function variants in PKP2 are known to be pathogenic (PMID: 15489853, 23911551). This variant is not present in population databases (gnomAD no frequency). This variant has not been reported in the literature in individuals affected with PKP2-related conditions. ClinVar contains an entry for this variant (Variation ID: 1354302). For these reasons, this variant has been classified as Pathogenic.

Literature cited by the submitters: PubMed 15489853; PubMed 23911551.

NM_001005242.3(PKP2):c.1738G>T (p.Glu580Ter)

Gene: PKP2 (plakophilin 2; minus strand). Cytogenetic location: 12p11.21.
Variant type: single nucleotide variant.
Coding change: c.1738G>T on transcript NM_001005242.3 (MANE Select); coding-DNA position 1738, G replaced by T.
Protein change: p.Glu580Ter; replaces glutamic acid 580 with a stop codon.
Molecular consequence: nonsense.
Genome position (GRCh38, 1-based): chr12:32,822,568, C>A on the plus strand (G>T on the coding strand, the complement: PKP2 is on the minus strand). VCF-style: chr12-32822568-C-A. GRCh37 (hg19) VCF-style: chr12-32975502-C-A.
Other names: c.1870G>T, p.Glu624Ter (NM_004572.4); short protein forms E580*, E624*.
Identifiers: ClinVar variation 1354302 (VCV001354302.6), dbSNP rs1956391770, ClinGen allele CA384363255.